The following is an entry in ClinVar:

ClinVar aggregate classification (germline): Pathogenic (1 of 4 stars; one submission).

Conditions:
Tuberous sclerosis 2 (TSC2). Identifiers: Orphanet 805, MedGen C1860707, MONDO:0013199, OMIM 613254.

Submission:

Labcorp Genetics (formerly Invitae), Labcorp
Classification: Pathogenic for Tuberous sclerosis 2. Last evaluated: 2017-10-03. Review status: criteria provided, single submitter. Criteria: Invitae Variant Classification Sherloc (09022015). Collection method: clinical testing. Allele origin: germline.
Comment: For these reasons, this variant has been classified as Pathogenic. Multiple frameshift variants including c.5340_5371del (p.1784Alafs*?) and c.5405_5408dup (p.Phe1803Leufs*42), located downstream of this variant have been reported as disease-causing de novo variants in individuals affected with TSC (PMID: 10205261, 9328481, 24789117), suggesting that frameshift variants affecting the very C-terminal of TSC2 impact protein function and cause disease. This variant has been reported in an individual with tuberous sclerosis complex (TSC) in the Leiden Open-source Variation Database (PMID: 21520333, 25498131). This sequence change deletes 16 nucleotides in exon 42 of the TSC2 mRNA (c.5281_5296delTCCAACCCCAGCCTAC), causing a frameshift at codon 1761. This creates a premature translational stop signal in the last exon of the TSC2 mRNA (p.Ser1761Leufs*60). While this is not anticipated to result in nonsense mediated decay, it is expected to disrupt the last 47 amino acids of the TSC2 protein.

Literature cited by the submitters: PubMed 10205261; PubMed 9328481; PubMed 24789117; PubMed 21520333; PubMed 25498131.

NM_000548.5(TSC2):c.5281_5296del (p.Ser1761fs)

Gene: TSC2 (TSC complex subunit 2; plus strand). Cytogenetic location: 16p13.3.
Variant type: Deletion.
Coding change: c.5281_5296del on transcript NM_000548.5 (MANE Select); coding-DNA positions 5281 to 5296, 16 bases deleted (TCCAACCCCAGCCTAC).
Protein change: p.Ser1761fs; shifts the reading frame from serine 1761.
Molecular consequence: frameshift variant.
Genome position (GRCh38, 1-based): chr16:2,088,467-2,088,482, TCCAACCCCAGCCTAC deleted; deleting any 16 consecutive bases within chr16:2,088,461-2,088,482 gives the same sequence; the c. name uses the placement nearest the transcript's 3' end. VCF-style (leftmost placement, unchanged base first): chr16-2088460-CGCCTACTCCAACCCCA-C. GRCh37 (hg19) VCF-style: chr16-2138461-CGCCTACTCCAACCCCA-C.
Other names: c.5080_5095del, p.Ser1694fs (NM_001077183.3); c.5212_5227del, p.Ser1738fs (NM_001114382.3); c.4972_4987del, p.Ser1658fs (NM_001318827.2); c.4936_4951del, p.Ser1646fs (NM_001318829.2); c.4549_4564del, p.Ser1517fs (NM_001318831.2); c.5113_5128del, p.Ser1705fs (NM_001318832.2); c.5083_5098del, p.Ser1695fs (NM_001363528.2); c.5149_5164del, p.Ser1717fs (NM_001370404.1); and 2 more; short protein forms S1718fs, S1761fs, S1646fs, S1695fs, S1705fs, S1658fs, S1738fs, S1517fs.
Identifiers: ClinVar variation 406134 (VCV000406134.8), dbSNP rs1064792923, ClinGen allele CA16614837.